The following is an entry in ClinVar:

NM_020971.3(SPTBN4):c.6246G>A (p.Glu2082=)

Gene: SPTBN4 (spectrin beta, non-erythrocytic 4; plus strand). Cytogenetic location: 19q13.2.
Variant type: single nucleotide variant.
Coding change: c.6246G>A on transcript NM_020971.3 (MANE Select); coding-DNA position 6246, G replaced by A.
Protein change: p.Glu2082=; no amino-acid change (glutamic acid 2082 retained).
Molecular consequence: synonymous variant.
Genome position (GRCh38, 1-based): chr19:40,566,269, G>A. VCF-style: chr19-40566269-G-A. GRCh37 (hg19) VCF-style: chr19-41072175-G-A.
Identifiers: ClinVar variation 2649908 (VCV002649908.22), dbSNP rs2515221573, ClinGen allele CA507495418.

ClinVar aggregate classification (germline): Likely benign (1 of 4 stars; one submission).

Submission:

CeGaT Center for Human Genetics Tuebingen
Classification: Likely benign. Last evaluated: 2023-01-01. Review status: criteria provided, single submitter. Criteria: CeGaT Center For Human Genetics Tuebingen Variant Classification Criteria Version 2. Collection method: clinical testing. Allele origin: germline. Affected: yes. Observed: 1 variant allele.
Comment: SPTBN4: PM2:Supporting, BP4, BP7